The following is an entry in ClinVar:

ClinVar aggregate classification (germline): Uncertain significance. Review status: criteria provided, multiple submitters, no conflicts (2 of 4 stars). 2 submissions from 2 submitters: Uncertain significance (2). Last evaluated 2024-07-15.

Conditions:
Hereditary cancer-predisposing syndrome. Also called: Hereditary neoplastic syndrome; Tumor predisposition; Neoplastic Syndromes, Hereditary; Hereditary Cancer Syndrome. Identifiers: Orphanet 140162, MedGen C0027672, MeSH D009386, MONDO:0015356.
Cardiovascular phenotype. Identifiers: MedGen CN230736.
Neurofibromatosis, type 1 (NF1). Also called: Neurofibromatosis, type I; VON RECKLINGHAUSEN DISEASE; Peripheral type neurofibromatosis; NEUROFIBROMATOSIS, TYPE I, SOMATIC. Identifiers: Orphanet 636, MedGen C0027831, MONDO:0018975, OMIM 162200. Disease mechanism: loss of function.

Allele frequency attached by ClinVar (database versions not stated): gnomAD exomes below 0.00001.

Submissions (2):

Ambry Genetics
Classification: Uncertain significance for Cardiovascular phenotype; Hereditary cancer-predisposing syndrome. Last evaluated: 2024-07-15. Review status: criteria provided, single submitter. Criteria: Ambry Variant Classification Scheme 2023. Collection method: clinical testing. Allele origin: germline.
Comment: The p.S139F variant (also known as c.416C>T), located in coding exon 4 of the NF1 gene, results from a C to T substitution at nucleotide position 416. The serine at codon 139 is replaced by phenylalanine, an amino acid with highly dissimilar properties. This amino acid position is conserved. In addition, this alteration is predicted to be deleterious by in silico analysis. Based on the available evidence, the clinical significance of this variant remains unclear.

Labcorp Genetics (formerly Invitae), Labcorp
Classification: Uncertain significance for Neurofibromatosis, type 1. Last evaluated: 2019-01-12. Review status: criteria provided, single submitter. Criteria: Invitae Variant Classification Sherloc (09022015). Collection method: clinical testing. Allele origin: germline.
Comment: This sequence change replaces serine with phenylalanine at codon 139 of the NF1 protein (p.Ser139Phe). The serine residue is moderately conserved and there is a large physicochemical difference between serine and phenylalanine. In summary, the available evidence is currently insufficient to determine the role of this variant in disease. Therefore, it has been classified as a Variant of Uncertain Significance. Algorithms developed to predict the effect of missense changes on protein structure and function are either unavailable or do not agree on the potential impact of this missense change (SIFT: "Deleterious"; PolyPhen-2: "Possibly Damaging"; Align-GVGD: "Class C0"). This variant has not been reported in the literature in individuals with NF1-related conditions. This variant is not present in population databases (ExAC no frequency).

NM_001042492.3(NF1):c.416C>T (p.Ser139Phe)

Gene: NF1 (neurofibromin 1; plus strand). Cytogenetic location: 17q11.2.
Variant type: single nucleotide variant.
Coding change: c.416C>T on transcript NM_001042492.3 (MANE Select); coding-DNA position 416, C replaced by T.
Protein change: p.Ser139Phe; replaces serine 139 with phenylalanine.
Molecular consequence: missense variant.
Genome position (GRCh38, 1-based): chr17:31,163,313, C>T. VCF-style: chr17-31163313-C-T. GRCh37 (hg19) VCF-style: chr17-29490331-C-T.
Other names: c.416C>T, p.Ser139Phe (NM_000267.4, NM_001128147.3); short protein forms S139F.
Identifiers: ClinVar variation 855761 (VCV000855761.7), dbSNP rs1262333812, ClinGen allele CA398981904.